The following is an entry in ClinVar:

NM_001395656.1(ROBO2):c.2443C>T (p.Arg815Trp)

Gene: ROBO2 (roundabout guidance receptor 2; plus strand). Cytogenetic location: 3p12.3.
Variant type: single nucleotide variant.
Coding change: c.2443C>T on transcript NM_001395656.1 (MANE Select); coding-DNA position 2443, C replaced by T.
Protein change: p.Arg815Trp; replaces arginine 815 with tryptophan.
Molecular consequence: missense variant.
Genome position (GRCh38, 1-based): chr3:77,580,049, C>T. VCF-style: chr3-77580049-C-T. GRCh37 (hg19) VCF-style: chr3-77629200-C-T.
Other names: p.Arg811Trp; c.2431C>T, p.Arg811Trp (NM_002942.5, NM_001378193.1, NM_001378197.1); c.2479C>T, p.Arg827Trp (NM_001128929.3); c.2443C>T, p.Arg815Trp (NM_001290039.2, NM_001290040.2, NM_001378202.1); c.652C>T, p.Arg218Trp (NM_001290065.2); c.2491C>T, p.Arg831Trp (NM_001378190.1, NM_001378191.1, NM_001378195.1 and 4 more transcripts); c.2512C>T, p.Arg838Trp (NM_001378192.1, NM_001378194.1, NM_001378198.1 and 2 more transcripts); c.2500C>T, p.Arg834Trp (NM_001394212.1, NM_001394214.1, NM_001395657.1); short protein forms R811W, R827W, R815W, R218W, R831W, R834W, R838W.
Identifiers: ClinVar variation 224345 (VCV000224345.15), dbSNP rs188582283, ClinGen allele CA2497327.
Genomic context (GRCh38, chr3:77,580,049, plus strand): 5'-ACTGTGGATGCAGCCATTCGGTCCGTAATAATTGGTGGATTATTCCCAGGTATTCAATAC[C>T]GGGTAGAGGTTGCAGCTAGTACCAGTGCAGGGGTTGGAGTAAAGAGTGAGCCACAGCCAA-3'
Protein context (NP_001382585.1, residues 805-825): IGGLFPGIQY[Arg815Trp]VEVAASTSAG

ClinVar aggregate classification (germline): Conflicting classifications of pathogenicity. Review status: criteria provided, conflicting classifications (1 of 4 stars). 5 submissions from 5 submitters: Uncertain significance (1); Benign (4). Last evaluated 2026-02-01.

Conditions:
Congenital anomaly of kidney and urinary tract. Also called: Congenital anomalies of kidney and urinary tract; Congenital anomalies of the kidney and urinary tract. Identifiers: Orphanet 93545, MedGen C1968949, MeSH C566906, MONDO:0019719.
Vesicoureteral reflux 2 (VUR2). Identifiers: Orphanet 289365, MedGen C1970483, MONDO:0012573, OMIM 610878.

Allele frequency attached by ClinVar (database versions not stated): ESP Exome Variant Server 0.00100; gnomAD 0.00410; TOPMed 0.00435; 1000 Genomes Project 0.00919; 1000 Genomes Project 30x 0.00984.
gnomAD v4.1: 3,860 of 1,613,634 alleles (0.24%); highest among the groups gnomAD compares: Admixed American, 5.2%; 109 homozygotes.

Submissions (5):

Labcorp Genetics (formerly Invitae), Labcorp
Classification: Benign. Last evaluated: 2026-02-01. Review status: criteria provided, single submitter. Criteria: Invitae Variant Classification Sherloc (09022015). Collection method: clinical testing. Allele origin: germline.

Mayo Clinic Laboratories, Mayo Clinic
Classification: Benign. Last evaluated: 2023-04-10. Review status: criteria provided, single submitter. Criteria: ACMG Guidelines, 2015. Collection method: clinical testing. Allele origin: germline. Observed: 1 variant allele.

Institute of Human Genetics, University of Leipzig Medical Center
Classification: Benign for Congenital anomaly of kidney and urinary tract. Last evaluated: 2021-01-09. Review status: criteria provided, single submitter. Criteria: ACMG Guidelines, 2015. Collection method: curation. Allele origin: germline. Inheritance: Autosomal dominant inheritance. Affected: yes.
Comment: This ROBO2 variant was reported as Uncertain Significance in PMID: 27657687 with original nomenclature reported as c.C2431T, p.R811W. Variant was re-classified as Benign based on the criteria PP3_Supporting, BA1_StandAlone.

Illumina Laboratory Services, Illumina
Classification: Benign for Vesicoureteral reflux 2. Last evaluated: 2018-01-13. Review status: criteria provided, single submitter. Criteria: ICSL Variant Classification Criteria 13 December 2019. Collection method: clinical testing. Allele origin: germline.
Comment: This variant was observed in the ICSL laboratory as part of a predisposition screen in an ostensibly healthy population. It had not been previously curated by ICSL or reported in the Human Gene Mutation Database (HGMD: prior to June 1st, 2018), and was therefore a candidate for classification through an automated scoring system. Utilizing variant allele frequency, disease prevalence and penetrance estimates, and inheritance mode, an automated score was calculated to assess if this variant is too frequent to cause the disease. Based on the score and internal cut-off values, a variant classified as benign is not then subjected to further curation. The score for this variant resulted in a classification of benign for this disease.

Lupski Lab, Baylor-Hopkins CMG, Baylor College of Medicine
Classification: Uncertain significance for Vesicoureteral reflux 2. Review status: criteria provided, single submitter. Criteria: Bekheirnia et al. (Genet Med. 2016). Collection method: research. Allele origin: unknown. Inheritance: Autosomal dominant inheritance. Affected: yes. Observed: 5 heterozygotes. Clinical features observed: Ureteropelvic junction obstruction, hydronephrosis.

Literature cited by the submitters: PubMed 27657687 (cited by Institute of Human Genetics, University of Leipzig Medical Center).